The following is an entry in ClinVar:

NM_018486.3(HDAC8):c.737+6G>A

Gene: HDAC8 (histone deacetylase 8; minus strand). Cytogenetic location: Xq13.1.
Variant type: single nucleotide variant.
Coding change: c.737+6G>A on transcript NM_018486.3 (MANE Select); 6 bases into the intron after coding-DNA position 737, G replaced by A.
Molecular consequence: intron variant.
Genome position (GRCh38, 1-based): chrX:72,488,927, C>T on the plus strand (G>A on the coding strand, the complement: HDAC8 is on the minus strand). VCF-style: chrX-72488927-C-T. GRCh37 (hg19) VCF-style: chrX-71708777-C-T.
Other names: c.464+6G>A (NM_001166418.2); c.386+6G>A (NM_001166448.2); c.737+6G>A (NM_001166419.2).
Identifiers: ClinVar variation 2152509 (VCV002152509.4), dbSNP rs781951038, ClinGen allele CA10450203.

ClinVar aggregate classification (germline): Uncertain significance (1 of 4 stars; one submission).

Conditions:
Cornelia de Lange syndrome 5 (CDLS5). Also called: HDAC8-Related Cornelia de Lange Syndrome. Identifiers: Orphanet 199, MedGen C3550903, MONDO:0010471, OMIM 300882.

Allele frequency attached by ClinVar (database versions not stated): gnomAD exomes 0.00001.
gnomAD v4.1: 8 of 1,121,423 alleles (0.00071%); highest among the groups gnomAD compares: South Asian, 0.016%; no homozygotes.

Submission:

Labcorp Genetics (formerly Invitae), Labcorp
Classification: Uncertain significance for Cornelia de Lange syndrome 5. Last evaluated: 2023-03-31. Review status: criteria provided, single submitter. Criteria: Invitae Variant Classification Sherloc (09022015). Collection method: clinical testing. Allele origin: germline.
Comment: Variants that disrupt the consensus splice site are a relatively common cause of aberrant splicing (PMID: 17576681, 9536098). Algorithms developed to predict the effect of sequence changes on RNA splicing suggest that this variant is not likely to affect RNA splicing. In summary, the available evidence is currently insufficient to determine the role of this variant in disease. Therefore, it has been classified as a Variant of Uncertain Significance. ClinVar contains an entry for this variant (Variation ID: 2152509). This variant has not been reported in the literature in individuals affected with HDAC8-related conditions. This variant is present in population databases (rs781951038, gnomAD 0.01%), including at least one homozygous and/or hemizygous individual. This sequence change falls in intron 7 of the HDAC8 gene. It does not directly change the encoded amino acid sequence of the HDAC8 protein. It affects a nucleotide within the consensus splice site.

Literature cited by the submitters: PubMed 17576681; PubMed 9536098.